The following is an entry in ClinVar:

ClinVar aggregate classification (germline): Uncertain significance (1 of 4 stars; one submission).

gnomAD v4.1: 1 of 1,547,956 alleles (0.000065%); highest among the groups gnomAD compares: Non-Finnish European, 0.000087%; no homozygotes.

Submission:

Labcorp Genetics (formerly Invitae), Labcorp
Classification: Uncertain significance. Last evaluated: 2022-11-03. Review status: criteria provided, single submitter. Criteria: Invitae Variant Classification Sherloc (09022015). Collection method: clinical testing. Allele origin: germline.
Comment: In summary, the available evidence is currently insufficient to determine the role of this variant in disease. Therefore, it has been classified as a Variant of Uncertain Significance. Advanced modeling of protein sequence and biophysical properties (such as structural, functional, and spatial information, amino acid conservation, physicochemical variation, residue mobility, and thermodynamic stability) performed at Invitae indicates that this missense variant is not expected to disrupt KMT2B protein function. This variant has not been reported in the literature in individuals affected with KMT2B-related conditions. This variant is not present in population databases (gnomAD no frequency). This sequence change replaces proline, which is neutral and non-polar, with glutamine, which is neutral and polar, at codon 2271 of the KMT2B protein (p.Pro2271Gln).

NM_014727.3(KMT2B):c.6812C>A (p.Pro2271Gln)

Gene: KMT2B (lysine methyltransferase 2B; plus strand). Cytogenetic location: 19q13.12.
Variant type: single nucleotide variant.
Coding change: c.6812C>A on transcript NM_014727.3 (MANE Select); coding-DNA position 6812, C replaced by A.
Protein change: p.Pro2271Gln; replaces proline 2271 with glutamine.
Molecular consequence: missense variant.
Genome position (GRCh38, 1-based): chr19:35,733,361, C>A. VCF-style: chr19-35733361-C-A. GRCh37 (hg19) VCF-style: chr19-36224262-C-A.
Other names: short protein forms P2271Q.
Identifiers: ClinVar variation 2992756 (VCV002992756.3), dbSNP rs753813107, ClinGen allele CA405430194.